The following is an entry in ClinVar:

ClinVar aggregate classification (germline): Benign/Likely benign. Review status: criteria provided, multiple submitters, no conflicts (2 of 4 stars). 8 submissions from 8 submitters: Benign (5); Likely benign (3). Last evaluated 2026-02-01.

Conditions:
Gillessen-Kaesbach-Nishimura syndrome (GIKANIS). Identifiers: MedGen C1849762, MONDO:0009890, OMIM 263210.
ALG9 congenital disorder of glycosylation (CDG1L). Also called: CDG Il; ALG9-CDG; CONGENITAL DISORDER OF GLYCOSYLATION, TYPE Il. Identifiers: Orphanet 79328, MedGen C2931006, MONDO:0012117, OMIM 608776.

Allele frequency attached by ClinVar (database versions not stated): gnomAD exomes 0.00112 and 0.00274; 1000 Genomes Project 0.01018; ESP Exome Variant Server 0.01189; 1000 Genomes Project 30x 0.01202; TOPMed 0.01310; ExAC 0.00347; gnomAD 0.01232 and 0.01141.
gnomAD v4.1: 3,437 of 1,613,976 alleles (0.21%); highest among the groups gnomAD compares: African/African-American, 4.1%; 84 homozygotes.

Submissions (8):

Labcorp Genetics (formerly Invitae), Labcorp
Classification: Benign for ALG9 congenital disorder of glycosylation. Last evaluated: 2026-02-01. Review status: criteria provided, single submitter. Criteria: Invitae Variant Classification Sherloc (09022015). Collection method: clinical testing. Allele origin: germline.

Mayo Clinic Laboratories, Mayo Clinic
Classification: Benign. Last evaluated: 2024-12-13. Review status: criteria provided, single submitter. Criteria: ACMG Guidelines, 2015. Collection method: clinical testing. Allele origin: germline. Observed: 4 variant alleles.
Comment: BS1, BS2, BP4_moderate

Fulgent Genetics
Classification: Likely benign for Gillessen-Kaesbach-Nishimura syndrome; ALG9 congenital disorder of glycosylation. Last evaluated: 2021-10-12. Review status: criteria provided, single submitter. Criteria: ACMG Guidelines, 2015. Collection method: clinical testing. Allele origin: unknown.

Athena Diagnostics
Classification: Benign. Last evaluated: 2018-03-02. Review status: criteria provided, single submitter. Criteria: Athena Diagnostics Criteria. Collection method: clinical testing. Allele origin: germline.

GeneDx
Classification: Benign. Last evaluated: 2016-04-06. Review status: criteria provided, single submitter. Criteria: GeneDx Variant Classification (06012015). Collection method: clinical testing. Allele origin: germline. Affected: yes.
Comment: This variant is considered likely benign or benign based on one or more of the following criteria: it is a conservative change, it occurs at a poorly conserved position in the protein, it is predicted to be benign by multiple in silico algorithms, and/or has population frequency not consistent with disease.

Center for Pediatric Genomic Medicine, Children's Mercy Hospital and Clinics
Classification: Likely benign. Last evaluated: 2015-08-19. Review status: criteria provided, single submitter. Criteria: ACMG Guidelines, 2015. Collection method: clinical testing. Allele origin: germline.
ClinVar note: Converted during submission from Likely Benign to Likely benign.

Eurofins Ntd Llc (ga)
Classification: Benign. Last evaluated: 2012-11-28. Review status: criteria provided, single submitter. Criteria: EGL Classification Definitions 2015. Collection method: clinical testing. Allele origin: germline. Observed: 1 variant allele, 1 heterozygote.

Breakthrough Genomics
Classification: Likely benign. Review status: criteria provided, single submitter. Criteria: ACMG Guidelines, 2015. Collection method: not provided. Allele origin: germline. Inheritance: Autosomal recessive inheritance. Affected: yes.

NM_024740.2(ALG9):c.764C>T (p.Ser255Leu)

Gene: ALG9 (ALG9 alpha-1,2-mannosyltransferase; minus strand). Cytogenetic location: 11q23.1.
Variant type: single nucleotide variant.
Coding change: c.764C>T on transcript NM_024740.2 (MANE Select); coding-DNA position 764, C replaced by T.
Protein change: p.Ser255Leu; replaces serine 255 with leucine.
Molecular consequence: missense variant. On other transcripts: non-coding transcript variant (1).
Genome position (GRCh38, 1-based): chr11:111,853,674, G>A on the plus strand (C>T on the coding strand, the complement: ALG9 is on the minus strand). VCF-style: chr11-111853674-G-A. GRCh37 (hg19) VCF-style: chr11-111724397-G-A.
Other names: c.764C>T, p.Ser255Leu (NM_001077690.1, NM_001352417.1, NM_001352418.1); c.251C>T, p.Ser84Leu (NM_001077691.2, NM_001077692.2, NM_001352409.1 and 11 more transcripts); c.176C>T, p.Ser59Leu (NM_001352422.2); short protein forms S255L, S84L, S59L.
Identifiers: ClinVar variation 96136 (VCV000096136.20), dbSNP rs17113312, ClinGen allele CA149272.
Genomic context (GRCh38, chr11:111,853,674, plus strand): 5'-ACTTTAGGACAAAGCAAGTAAAAAAGAAAACTCACCAGAAATAGTATGAGGGCCATCAGC[G>A]ACCAATGAAAGAAACTCTTCCACCTGTGTTTCATGACCAGCAAATCAAAGGCAATGGGTA-3'
Protein context (NP_079016.2, residues 245-265): KHRWKSFFHW[Ser255Leu]LMALILFLVP